The following is an entry in ClinVar:

ClinVar aggregate classification (germline): Likely benign. Review status: criteria provided, multiple submitters, no conflicts (2 of 4 stars). 2 submissions from 2 submitters: Likely benign (2). Last evaluated 2025-11-01.

Conditions:
TMEM165-congenital disorder of glycosylation. Also called: CDG IIk; Congenital disorder of glycosylation type 2k; TMEM165-CDG. Identifiers: Orphanet 314667, MedGen C3553571, MONDO:0013870, OMIM 614727.

Allele frequency attached by ClinVar (database versions not stated): ExAC below 0.00001; gnomAD exomes 0.00001; gnomAD 0.00059; TOPMed 0.00070; 1000 Genomes Project 0.00100; 1000 Genomes Project 30x 0.00125.

Submissions (2):

CeGaT Center for Human Genetics Tuebingen
Classification: Likely benign. Last evaluated: 2025-11-01. Review status: criteria provided, single submitter. Criteria: CeGaT Center For Human Genetics Tuebingen Variant Classification Criteria Version 2. Collection method: clinical testing. Allele origin: germline. Affected: yes. Observed: 1 variant allele.
Comment: TMEM165: BP4, BP7

Labcorp Genetics (formerly Invitae), Labcorp
Classification: Likely benign for TMEM165-congenital disorder of glycosylation. Last evaluated: 2025-10-13. Review status: criteria provided, single submitter. Criteria: Invitae Variant Classification Sherloc (09022015). Collection method: clinical testing. Allele origin: germline.

NM_018475.5(TMEM165):c.204C>G (p.Val68=)

Genes: TMEM165 (transmembrane protein 165; plus strand), LOC129992613 (ATAC-STARR-seq lymphoblastoid silent region 15439; plus strand). Cytogenetic location: 4q12.
Variant type: single nucleotide variant.
Coding change: c.204C>G on transcript NM_018475.5 (MANE Select); coding-DNA position 204, C replaced by G.
Protein change: p.Val68=; no amino-acid change (valine 68 retained).
Molecular consequence: synonymous variant. On other transcripts: non-coding transcript variant (1).
Genome position (GRCh38, 1-based): chr4:55,396,393, C>G. VCF-style: chr4-55396393-C-G. GRCh37 (hg19) VCF-style: chr4-56262560-C-G.
Identifiers: ClinVar variation 727079 (VCV000727079.15), dbSNP rs558601598, ClinGen allele CA2925453.